The following is an entry in ClinVar:

NM_001009944.3(PKD1):c.8025dup (p.Arg2676fs)

Gene: PKD1 (polycystin 1, transient receptor potential channel interacting; minus strand). Cytogenetic location: 16p13.3.
Variant type: Duplication.
Coding change: c.8025dup on transcript NM_001009944.3 (MANE Select); coding-DNA position 8025, one base duplicated (C; older notation c.8025dupC).
Protein change: p.Arg2676fs; shifts the reading frame from arginine 2676.
Molecular consequence: frameshift variant.
Genome position (GRCh38, 1-based): chr16:2,104,634, G duplicated on the plus strand (C on the coding strand, the reverse complement: PKD1 is on the minus strand). VCF-style (leftmost placement, unchanged base first): chr16-2104633-T-TG. GRCh37 (hg19) VCF-style: chr16-2154634-T-TG.
Other names: c.8025dup, p.Arg2676fs (NM_000296.4); c.8025dupC (NM_001009944.2); short protein forms R2676fs.
Identifiers: ClinVar variation 3348226 (VCV003348226.1).

ClinVar aggregate classification (germline): Pathogenic (0 of 4 stars; one submission).

Conditions:
PKD1-related disorder. Also called: PKD1-related condition.

Submission:

PreventionGenetics, part of Exact Sciences
Classification: Pathogenic for PKD1-related condition. Last evaluated: 2024-03-14. Review status: no assertion criteria provided. Collection method: clinical testing. Allele origin: germline.
Comment: The PKD1 c.8025dupC variant is predicted to result in a frameshift and premature protein termination (p.Arg2676Glnfs*146). To our knowledge, this variant has not been reported in the literature or in a large population database, indicating this variant is rare. Frameshift variants in PKD1 are expected to be pathogenic. This variant is interpreted as pathogenic.